The following is an entry in ClinVar:

NM_001723.7(DST):c.4280A>G (p.Lys1427Arg)

Gene: DST (dystonin; minus strand). Cytogenetic location: 6p12.1.
Variant type: single nucleotide variant.
Coding change: c.4280A>G on transcript NM_001723.7 (MANE Plus Clinical); coding-DNA position 4280, A replaced by G.
Protein change: p.Lys1427Arg; replaces lysine 1427 with arginine.
Molecular consequence: missense variant. On other transcripts: intron variant (10).
Genome position (GRCh38, 1-based): chr6:56,619,754, T>C on the plus strand (A>G on the coding strand, the complement: DST is on the minus strand). VCF-style: chr6-56619754-T-C. GRCh37 (hg19) VCF-style: chr6-56484552-T-C.
Other names: c.4296+4776A>G (NM_001374730.1, NM_001386100.1, NM_183380.4 and 1 more transcripts); c.4929+4776A>G (NM_001374736.1, NM_001374722.1); c.4956+4776A>G (NM_001374734.1); c.4416+4776A>G (NM_001144770.2); c.4830+4776A>G (NM_001144769.5); c.3318+4776A>G (NM_015548.5); short protein forms K1427R.
Identifiers: ClinVar variation 1488860 (VCV001488860.6), dbSNP rs2152738013, ClinGen allele CA364570034.

ClinVar aggregate classification (germline): Uncertain significance (1 of 4 stars; one submission).

Conditions:
Hereditary sensory and autonomic neuropathy type 6. Also called: HSAN VI; Neuropathy, hereditary sensory and autonomic, type VI. Identifiers: Orphanet 314381, MedGen C3539003, MONDO:0013839, OMIM 614653.
Epidermolysis bullosa simplex 3, localized or generalized intermediate, with BP230 deficiency (EBS3). Also called: Epidermolysis bullosa simplex, autosomal recessive 2; Epidermolysis bullosa simplex due to BP230 deficiency. Identifiers: Orphanet 412181, MedGen C3809470, MONDO:0014180, OMIM 615425.

Submission:

Labcorp Genetics (formerly Invitae), Labcorp
Classification: Uncertain significance for Epidermolysis bullosa simplex 3, localized or generalized intermediate, with BP230 deficiency; Hereditary sensory and autonomic neuropathy type 6. Last evaluated: 2021-09-06. Review status: criteria provided, single submitter. Criteria: Invitae Variant Classification Sherloc (09022015). Collection method: clinical testing. Allele origin: germline.
Comment: This sequence change replaces lysine with arginine at codon 1427 of the DST protein (p.Lys1427Arg). The lysine residue is weakly conserved and there is a small physicochemical difference between lysine and arginine. This variant is not present in population databases (ExAC no frequency). This variant has not been reported in the literature in individuals affected with DST-related conditions. Algorithms developed to predict the effect of missense changes on protein structure and function are either unavailable or do not agree on the potential impact of this missense change (SIFT: "Tolerated"; PolyPhen-2: "Probably Damaging"; Align-GVGD: "Class C0"). In summary, the available evidence is currently insufficient to determine the role of this variant in disease. Therefore, it has been classified as a Variant of Uncertain Significance.